The following is an entry in ClinVar:

ClinVar aggregate classification (germline): Pathogenic (1 of 4 stars; one submission).

Submission:

Labcorp Genetics (formerly Invitae), Labcorp
Classification: Pathogenic. Last evaluated: 2024-09-15. Review status: criteria provided, single submitter. Criteria: Invitae Variant Classification Sherloc (09022015). Collection method: clinical testing. Allele origin: germline.
Comment: This sequence change creates a premature translational stop signal (p.Glu1878*) in the ITPR1 gene. It is expected to result in an absent or disrupted protein product. Loss-of-function variants in ITPR1 are known to be pathogenic (PMID: 27108797). This variant is not present in population databases (gnomAD no frequency). This variant has not been reported in the literature in individuals affected with ITPR1-related conditions. For these reasons, this variant has been classified as Pathogenic.

Literature cited by the submitters: PubMed 27108797.

NM_001378452.1(ITPR1):c.5821G>T (p.Glu1941Ter)

Gene: ITPR1 (inositol 1,4,5-trisphosphate receptor type 1; plus strand). Cytogenetic location: 3p26.1.
Variant type: single nucleotide variant.
Coding change: c.5821G>T on transcript NM_001378452.1 (MANE Select); coding-DNA position 5821, G replaced by T.
Protein change: p.Glu1941Ter; replaces glutamic acid 1941 with a stop codon.
Molecular consequence: nonsense.
Genome position (GRCh38, 1-based): chr3:4,768,606, G>T. VCF-style: chr3-4768606-G-T. GRCh37 (hg19) VCF-style: chr3-4810290-G-T.
Other names: c.5632G>T, p.Glu1878Ter (NM_002222.7); c.5677G>T, p.Glu1893Ter (NM_001099952.4); c.5776G>T, p.Glu1926Ter (NM_001168272.2); short protein forms E1878*, E1893*, E1926*, E1941*.
Identifiers: ClinVar variation 3663714 (VCV003663714.2).